The following is an entry in ClinVar:

ClinVar aggregate classification (germline): Likely benign (1 of 4 stars; one submission).

gnomAD v4.1: 826 of 1,613,710 alleles (0.051%); highest among the groups gnomAD compares: Non-Finnish European, 0.065%; no homozygotes.

Submission:

CeGaT Center for Human Genetics Tuebingen
Classification: Likely benign. Last evaluated: 2026-08-01. Review status: criteria provided, single submitter. Criteria: CeGaT Center For Human Genetics Tuebingen Variant Classification Criteria Version 2. Collection method: clinical testing. Allele origin: germline. Affected: yes. Observed: 3 variant alleles.
Comment: AGO1: BS2

NM_012199.5(AGO1):c.29C>G (p.Ala10Gly)

Gene: AGO1 (argonaute RISC component 1; plus strand). Cytogenetic location: 1p34.3.
Variant type: single nucleotide variant.
Coding change: c.29C>G on transcript NM_012199.5 (MANE Select); coding-DNA position 29, C replaced by G.
Protein change: p.Ala10Gly; replaces alanine 10 with glycine.
Molecular consequence: missense variant. On other transcripts: 5 prime UTR variant (1).
Genome position (GRCh38, 1-based): chr1:35,888,430, C>G. VCF-style: chr1-35888430-C-G. GRCh37 (hg19) VCF-style: chr1-36354031-C-G.
Other names: c.29C>G, p.Ala10Gly (NM_001317122.2); c.-197C>G (NM_001317123.2); short protein forms A10G.
Identifiers: ClinVar variation 3257707 (VCV003257707.17).